The following is an entry in ClinVar:

ClinVar aggregate classification (germline): Uncertain significance (1 of 4 stars; one submission).

Submission:

Ambry Genetics
Classification: Uncertain significance. Last evaluated: 2025-10-08. Review status: criteria provided, single submitter. Criteria: Ambry Variant Classification Scheme 2023. Collection method: clinical testing. Allele origin: germline.
Comment: The p.V241L variant (also known as c.721G>C), located in coding exon 1 of the MC1R gene, results from a G to C substitution at nucleotide position 721. The valine at codon 241 is replaced by leucine, an amino acid with highly similar properties. This amino acid position is conserved. In addition, this alteration is predicted to be tolerated by in silico analysis. Based on the available evidence, the clinical significance of this variant remains unclear.

NM_002386.4(MC1R):c.721G>C (p.Val241Leu)

Gene: MC1R (melanocortin 1 receptor; plus strand). Cytogenetic location: 16q24.3.
Variant type: single nucleotide variant.
Coding change: c.721G>C on transcript NM_002386.4 (MANE Select); coding-DNA position 721, G replaced by C.
Protein change: p.Val241Leu; replaces valine 241 with leucine.
Molecular consequence: missense variant.
Genome position (GRCh38, 1-based): chr16:89,919,979, G>C. VCF-style: chr16-89919979-G-C. GRCh37 (hg19) VCF-style: chr16-89986387-G-C.
Other names: short protein forms V241L.
Identifiers: ClinVar variation 4550299 (VCV004550299.1).
Genomic context (GRCh38, chr16:89,919,979, plus strand): 5'-ATCGCCCGGCTCCACAAGAGGCAGCGCCCGGTCCACCAGGGCTTTGGCCTTAAAGGCGCT[G>C]TCACCCTCACCATCCTGCTGGGCATTTTCTTCCTCTGCTGGGGCCCCTTCTTCCTGCATC-3'
Protein context (NP_002377.4, residues 231-251): VHQGFGLKGA[Val241Leu]TLTILLGIFF